The following is an entry in ClinVar:

NM_006312.6(NCOR2):c.6675G>A (p.Pro2225=)

Gene: NCOR2 (nuclear receptor corepressor 2; minus strand). Cytogenetic location: 12q24.31.
Variant type: single nucleotide variant.
Coding change: c.6675G>A on transcript NM_006312.6 (MANE Select); coding-DNA position 6675, G replaced by A.
Protein change: p.Pro2225=; no amino-acid change (proline 2225 retained).
Molecular consequence: synonymous variant.
Genome position (GRCh38, 1-based): chr12:124,333,210, C>T on the plus strand (G>A on the coding strand, the complement: NCOR2 is on the minus strand). VCF-style: chr12-124333210-C-T. GRCh37 (hg19) VCF-style: chr12-124817756-C-T.
Other names: c.6645G>A, p.Pro2215= (NM_001077261.4, NM_001206654.2).
Identifiers: ClinVar variation 3041930 (VCV003041930.2), dbSNP rs75362677, ClinGen allele CA6867403.
Genomic context (GRCh38, chr12:124,333,210, plus strand): 5'-ATCCCGGTACAGCAGCGGGTACACAGCACTCCGGGAGTGCCCTGGCTCCGTCATGCCCTC[C>T]GGTGGGGACACAGGTTCAATACCGTCCTCACCACCACCCAAGACCGACGTCTTGTTTGGC-3'
Protein context (NP_006303.4, residues 2215-2235): GEDGIEPVSP[Pro2225=]EGMTEPGHSR

ClinVar aggregate classification (germline): Likely benign (0 of 4 stars; one submission).

Conditions:
NCOR2-related disorder. Also called: NCOR2-related condition.

Allele frequency attached by ClinVar (database versions not stated): gnomAD exomes 0.00102; gnomAD 0.00117; TOPMed 0.00157; ExAC 0.00284; 1000 Genomes Project 30x 0.00640; 1000 Genomes Project 0.00679.
gnomAD v4.1: 1,746 of 1,613,186 alleles (0.11%); highest among the groups gnomAD compares: East Asian, 3.4%; 40 homozygotes.

Submission:

PreventionGenetics, part of Exact Sciences
Classification: Likely benign for NCOR2-related condition. Last evaluated: 2019-02-22. Review status: no assertion criteria provided. Collection method: clinical testing. Allele origin: germline.
Comment: This variant is classified as likely benign based on ACMG/AMP sequence variant interpretation guidelines (Richards et al. 2015 PMID: 25741868, with internal and published modifications).